The following is an entry in ClinVar:

NM_001042492.3(NF1):c.6249C>G (p.Arg2083=)

Gene: NF1 (neurofibromin 1; plus strand). Cytogenetic location: 17q11.2.
Variant type: single nucleotide variant.
Coding change: c.6249C>G on transcript NM_001042492.3 (MANE Select); coding-DNA position 6249, C replaced by G.
Protein change: p.Arg2083=; no amino-acid change (arginine 2083 retained).
Molecular consequence: synonymous variant.
Genome position (GRCh38, 1-based): chr17:31,336,736, C>G. VCF-style: chr17-31336736-C-G. GRCh37 (hg19) VCF-style: chr17-29663754-C-G.
Other names: c.6186C>G, p.Arg2062= (NM_000267.4).
Identifiers: ClinVar variation 583060 (VCV000583060.10), dbSNP rs1567616975, ClinGen allele CA499446329.

ClinVar aggregate classification (germline): Conflicting classifications of pathogenicity. Review status: criteria provided, conflicting classifications (1 of 4 stars). 2 submissions from 2 submitters: Uncertain significance (1); Likely benign (1). Last evaluated 2019-12-19.

Conditions:
Cardiovascular phenotype. Identifiers: MedGen CN230736.
Hereditary cancer-predisposing syndrome. Also called: Neoplastic Syndromes, Hereditary; Hereditary Cancer Syndrome; Tumor predisposition; Hereditary neoplastic syndrome. Identifiers: Orphanet 140162, MedGen C0027672, MeSH D009386, MONDO:0015356.
Neurofibromatosis, type 1 (NF1). Also called: Peripheral type neurofibromatosis; VON RECKLINGHAUSEN DISEASE; NEUROFIBROMATOSIS, TYPE I, SOMATIC; Neurofibromatosis, type I. Identifiers: Orphanet 636, MedGen C0027831, MONDO:0018975, OMIM 162200. Disease mechanism: loss of function.

Submissions (2):

Ambry Genetics
Classification: Likely benign for Cardiovascular phenotype; Hereditary cancer-predisposing syndrome. Last evaluated: 2019-12-19. Review status: criteria provided, single submitter. Criteria: Ambry Variant Classification Scheme 2023. Collection method: clinical testing. Allele origin: germline.

Labcorp Genetics (formerly Invitae), Labcorp
Classification: Uncertain significance for Neurofibromatosis, type 1. Last evaluated: 2018-05-30. Review status: criteria provided, single submitter. Criteria: Invitae Variant Classification Sherloc (09022015). Collection method: clinical testing. Allele origin: germline.
Comment: This sequence change affects codon 2062 of the NF1 mRNA. It is a 'silent' change, meaning that it does not change the encoded amino acid sequence of the NF1 protein. This variant is not present in population databases (ExAC no frequency). This variant has not been reported in the literature in individuals with NF1-related disease. Algorithms developed to predict the effect of sequence changes on RNA splicing suggest that this variant may create or strengthen a splice site, but this prediction has not been confirmed by published transcriptional studies. In summary, the available evidence is currently insufficient to determine the role of this variant in disease. Therefore, it has been classified as a Variant of Uncertain Significance.